The following is an entry in ClinVar:

NM_001042492.3(NF1):c.550A>G (p.Asn184Asp)

Gene: NF1 (neurofibromin 1; plus strand). Cytogenetic location: 17q11.2.
Variant type: single nucleotide variant.
Coding change: c.550A>G on transcript NM_001042492.3 (MANE Select); coding-DNA position 550, A replaced by G.
Protein change: p.Asn184Asp; replaces asparagine 184 with aspartic acid.
Molecular consequence: missense variant.
Genome position (GRCh38, 1-based): chr17:31,169,961, A>G. VCF-style: chr17-31169961-A-G. GRCh37 (hg19) VCF-style: chr17-29496979-A-G.
Other names: c.550A>G, p.Asn184Asp (NM_000267.4, NM_001128147.3); short protein forms N184D.
Identifiers: ClinVar variation 3634482 (VCV003634482.2).

ClinVar aggregate classification (germline): Uncertain significance (1 of 4 stars; one submission).

Conditions:
Neurofibromatosis, type 1 (NF1). Also called: VON RECKLINGHAUSEN DISEASE; Peripheral type neurofibromatosis; NEUROFIBROMATOSIS, TYPE I, SOMATIC; Neurofibromatosis, type I. Identifiers: Orphanet 636, MedGen C0027831, MONDO:0018975, OMIM 162200. Disease mechanism: loss of function.

Submission:

Labcorp Genetics (formerly Invitae), Labcorp
Classification: Uncertain significance for Neurofibromatosis, type 1. Last evaluated: 2025-01-01. Review status: criteria provided, single submitter. Criteria: Invitae Variant Classification Sherloc (09022015). Collection method: clinical testing. Allele origin: germline.
Comment: This sequence change replaces asparagine, which is neutral and polar, with aspartic acid, which is acidic and polar, at codon 184 of the NF1 protein (p.Asn184Asp). This variant is not present in population databases (gnomAD no frequency). This variant has not been reported in the literature in individuals affected with NF1-related conditions. Invitae Evidence Modeling of protein sequence and biophysical properties (such as structural, functional, and spatial information, amino acid conservation, physicochemical variation, residue mobility, and thermodynamic stability) indicates that this missense variant is not expected to disrupt NF1 protein function with a negative predictive value of 95%. In summary, the available evidence is currently insufficient to determine the role of this variant in disease. Therefore, it has been classified as a Variant of Uncertain Significance.